The following is an entry in ClinVar:

NM_002439.5(MSH3):c.3220A>G (p.Lys1074Glu)

Gene: MSH3 (mutS homolog 3; plus strand). Cytogenetic location: 5q14.1.
Variant type: single nucleotide variant.
Coding change: c.3220A>G on transcript NM_002439.5 (MANE Select); coding-DNA position 3220, A replaced by G.
Protein change: p.Lys1074Glu; replaces lysine 1074 with glutamic acid.
Molecular consequence: missense variant.
Genome position (GRCh38, 1-based): chr5:80,873,205, A>G. VCF-style: chr5-80873205-A-G. GRCh37 (hg19) VCF-style: chr5-80169024-A-G.
Other names: c.3220A>G (NM_002439.3); short protein forms K1074E.
Identifiers: ClinVar variation 1934979 (VCV001934979.6), dbSNP rs2112128764, ClinGen allele CA360346968.
Genomic context (GRCh38, chr5:80,873,205, plus strand): 5'-ACCTTCCTTTACCAAATAACTAGAGGAATTGCAGCAAGGAGTTATGGATTAAATGTGGCT[A>G]AACTAGCAGATGTTCCTGGAGAAATTTTGAAGAAAGCAGCTCACAAGTCAAAAGAGCTGG-3'
Protein context (NP_002430.3, residues 1064-1084): AARSYGLNVA[Lys1074Glu]LADVPGEILK

ClinVar aggregate classification (germline): Uncertain significance. Review status: criteria provided, multiple submitters, no conflicts (2 of 4 stars). 2 submissions from 2 submitters: Uncertain significance (2). Last evaluated 2026-07-02.

Conditions:
Hereditary cancer-predisposing syndrome. Also called: Hereditary neoplastic syndrome; Neoplastic Syndromes, Hereditary; Tumor predisposition; Hereditary Cancer Syndrome. Identifiers: Orphanet 140162, MedGen C0027672, MeSH D009386, MONDO:0015356.

Submissions (2):

Ambry Genetics
Classification: Uncertain significance for Hereditary cancer-predisposing syndrome. Last evaluated: 2026-07-02. Review status: criteria provided, single submitter. Criteria: Ambry Variant Classification Scheme 2023. Collection method: clinical testing. Allele origin: germline.
Comment: The p.K1074E variant (also known as c.3220A>G), located in coding exon 23 of the MSH3 gene, results from an A to G substitution at nucleotide position 3220. The lysine at codon 1074 is replaced by glutamic acid, an amino acid with similar properties. This amino acid position is conserved. In addition, the in silico prediction for this alteration is inconclusive. Based on the available evidence, the clinical significance of this variant remains unclear.

Labcorp Genetics (formerly Invitae), Labcorp
Classification: Uncertain significance. Last evaluated: 2022-03-03. Review status: criteria provided, single submitter. Criteria: Invitae Variant Classification Sherloc (09022015). Collection method: clinical testing. Allele origin: germline.
Comment: This sequence change replaces lysine, which is basic and polar, with glutamic acid, which is acidic and polar, at codon 1074 of the MSH3 protein (p.Lys1074Glu). In summary, the available evidence is currently insufficient to determine the role of this variant in disease. Therefore, it has been classified as a Variant of Uncertain Significance. Algorithms developed to predict the effect of missense changes on protein structure and function are either unavailable or do not agree on the potential impact of this missense change (SIFT: "Deleterious"; PolyPhen-2: "Possibly Damaging"; Align-GVGD: "Class C0"). This variant has not been reported in the literature in individuals affected with MSH3-related conditions. This variant is not present in population databases (gnomAD no frequency).